The following is an entry in ClinVar:

NM_000310.4(PPT1):c.434-215G>A

Gene: PPT1 (palmitoyl-protein thioesterase 1; minus strand). Cytogenetic location: 1p34.2.
Variant type: single nucleotide variant.
Coding change: c.434-215G>A on transcript NM_000310.4 (MANE Select); 215 bases into the intron before coding-DNA position 434, G replaced by A.
Molecular consequence: intron variant.
Genome position (GRCh38, 1-based): chr1:40,089,727, C>T on the plus strand (G>A on the coding strand, the complement: PPT1 is on the minus strand). VCF-style: chr1-40089727-C-T. GRCh37 (hg19) VCF-style: chr1-40555399-C-T.
Other names: c.125-215G>A (NM_001142604.2); c.434-215G>A (NM_001363695.2).
Identifiers: ClinVar variation 668043 (VCV000668043.1), dbSNP rs7543269, ClinGen allele CA10983115.

ClinVar aggregate classification (germline): Benign (1 of 4 stars; one submission).

Allele frequency attached by ClinVar (database versions not stated): gnomAD exomes 0.09304; gnomAD 0.10209 and 0.10379; TOPMed 0.10727; 1000 Genomes Project 0.12879; 1000 Genomes Project 30x 0.12992.
gnomAD v4.1: 60,821 of 638,564 alleles (9.5%); highest among the groups gnomAD compares: Admixed American, 14%; 3,217 homozygotes.

Submission:

GeneDx
Classification: Benign. Last evaluated: 2018-06-14. Review status: criteria provided, single submitter. Criteria: GeneDx Variant Classification (06012015). Collection method: clinical testing. Allele origin: germline. Affected: yes.
Comment: This variant is considered likely benign or benign based on one or more of the following criteria: it is a conservative change, it occurs at a poorly conserved position in the protein, it is predicted to be benign by multiple in silico algorithms, and/or has population frequency not consistent with disease.